The following is an entry in ClinVar:

ClinVar aggregate classification (germline): Uncertain significance. Review status: criteria provided, multiple submitters, no conflicts (2 of 4 stars). 2 submissions from 2 submitters: Uncertain significance (2). Last evaluated 2023-08-18.

Conditions:
Cardiomyopathy, familial hypertrophic 27. Identifiers: MedGen C4748014, MONDO:0054838, OMIM 618052.

gnomAD v4.1: 1 of 1,614,076 alleles (0.000062%); highest among the groups gnomAD compares: Non-Finnish European, 0.000085%; no homozygotes.

Submissions (2):

Baylor Genetics
Classification: Uncertain significance for Cardiomyopathy, familial hypertrophic 27. Last evaluated: 2023-08-18. Review status: criteria provided, single submitter. Criteria: ACMG Guidelines, 2015. Collection method: clinical testing. Allele origin: unknown.

GeneDx
Classification: Uncertain significance. Last evaluated: 2022-11-30. Review status: criteria provided, single submitter. Criteria: GeneDx Variant Classification Process June 2021. Collection method: clinical testing. Allele origin: germline. Affected: yes.
Comment: Not observed at significant frequency in large population cohorts (gnomAD); In silico analysis supports that this missense variant has a deleterious effect on protein structure/function; Has not been previously published as pathogenic or benign to our knowledge

NM_020778.5(ALPK3):c.4057G>C (p.Gly1353Arg)

Gene: ALPK3 (alpha kinase 3; plus strand). Cytogenetic location: 15q25.3.
Variant type: single nucleotide variant.
Coding change: c.4057G>C on transcript NM_020778.5 (MANE Select); coding-DNA position 4057, G replaced by C.
Protein change: p.Gly1353Arg; replaces glycine 1353 with arginine.
Molecular consequence: missense variant.
Genome position (GRCh38, 1-based): chr15:84,859,867, G>C. VCF-style: chr15-84859867-G-C. GRCh37 (hg19) VCF-style: chr15-85403098-G-C.
Other names: short protein forms G1353R.
Identifiers: ClinVar variation 2504181 (VCV002504181.2), dbSNP rs1363798738, ClinGen allele CA393361981.